The following is an entry in ClinVar:

NM_015346.4(ZFYVE26):c.1926_1941del (p.Tyr643fs)

Gene: ZFYVE26 (zinc finger FYVE-type containing 26; minus strand). Cytogenetic location: 14q24.1.
Variant type: Deletion.
Coding change: c.1926_1941del on transcript NM_015346.4 (MANE Select); coding-DNA positions 1926 to 1941, 16 bases deleted (TTATACAATGCCAAGC).
Protein change: p.Tyr643fs; shifts the reading frame from tyrosine 643.
Molecular consequence: frameshift variant.
Genome position (GRCh38, 1-based): chr14:67,798,321-67,798,336, GCTTGGCATTGTATAA deleted on the plus strand (TTATACAATGCCAAGC on the coding strand, the reverse complement: ZFYVE26 is on the minus strand); deleting any 16 consecutive bases within chr14:67,798,321-67,798,338 gives the same sequence; the c. name uses the placement nearest the transcript's 3' end. VCF-style (leftmost placement, unchanged base first): chr14-67798320-GGCTTGGCATTGTATAA-G. GRCh37 (hg19) VCF-style: chr14-68265037-GGCTTGGCATTGTATAA-G.
Other names: short protein forms Y643fs.
Identifiers: ClinVar variation 2664683 (VCV002664683.3), dbSNP rs2502857121, ClinGen allele CA2695199837.

ClinVar aggregate classification (germline): Likely pathogenic (0 of 4 stars; one submission).

Conditions:
Hereditary spastic paraplegia 15 (SPG15). Also called: SPASTIC PARAPLEGIA 15, AUTOSOMAL RECESSIVE; KJELLIN SYNDROME; SPASTIC PARAPLEGIA AND RETINAL DEGENERATION. Identifiers: Orphanet 100996, MedGen C1849128, MONDO:0010044, OMIM 270700.

Submission:

Department of Biotechnology and Genetic Engineering, Kohat University of Science and Technology
Classification: Likely pathogenic for Hereditary spastic paraplegia 15. Last evaluated: 2023-11-14. Review status: no assertion criteria provided. Collection method: research. Allele origin: germline. Inheritance: Autosomal recessive inheritance. Affected: yes.
Comment: Homozygous variants in ZFYVE26 have been reported to cause autosomal recessive hereditary spastic paraplegia (AR HSP), which is characterized by progressive spasticity and weakness of the lower limbs, often accompanied by cognitive impairment and a thin corpus callosum on magnetic resonance imaging (MRI) scans. In some cases, it may also be accompanied by distal amyotrophy, pigmentary maculopathy, and atypical parkinsonism. Here, we expand the phenotypic spectrum associated with ZFYVE26 variants, by reporting a Pakistani epileptic family with spastic ataxia DD and ID phenotypes. Most of the variants identified in ZFYVE26 are frameshift or nonsense variants, indicating a loss-of-function mechanism in the pathogenesis of AR HSP. Similarly, the ZFYVE26 variant p.Tyr643MetfsX2 identified in the current study is a frameshift variant resulting in a truncated protein, disrupting the normal function of the gene and, consequently, causing epilepsy, spastic ataxia, DD, and ID phenotypes in patients. In another family the affected brothers in a Pakistani family displayed features of hereditary spastic paraplegia (HSP) with cerebellar ataxia and were found to carry a homozygous variant, c.1926_1941del, p.(Tyr643Metfs*2) in the ZFYVE26 gene, as the cause of the disease. In addition, they had mild colitis confirmed on colonic biopsy, a previously unreported feature of SPG15